The following is an entry in ClinVar:

ClinVar aggregate classification (germline): Likely pathogenic (1 of 4 stars; one submission).

Conditions:
Ataxia-telangiectasia syndrome (AT). Also called: Ataxia-telangiectasia, complementation group D; AT, COMPLEMENTATION GROUP C; ATAXIA-TELANGIECTASIA, COMPLEMENTATION GROUP A; ATAXIA-TELANGIECTASIA, FRESNO VARIANT; Ataxia-telangiectasia; Ataxia-telangiectasia, complementation group E. Identifiers: Orphanet 100, MedGen C0004135, MONDO:0008840, OMIM 208900.

Submission:

Labcorp Genetics (formerly Invitae), Labcorp
Classification: Likely pathogenic for Ataxia-telangiectasia syndrome. Last evaluated: 2024-08-05. Review status: criteria provided, single submitter. Criteria: Invitae Variant Classification Sherloc (09022015). Collection method: clinical testing. Allele origin: germline.
Comment: This sequence change affects an acceptor splice site in intron 41 of the ATM gene. RNA analysis indicates that disruption of this splice site induces altered splicing and may result in an absent or altered protein product. This variant is not present in population databases (gnomAD no frequency). Disruption of this splice site has been observed in individual(s) with prostate cancer (PMID: 32338768). Studies have shown that disruption of this splice site results in skipping of exon 42, and produces a non-functional protein and/or introduces a premature termination codon (Invitae). In summary, the currently available evidence indicates that the variant is pathogenic, but additional data are needed to prove that conclusively. Therefore, this variant has been classified as Likely Pathogenic.

Literature cited by the submitters: PubMed 32338768.

NM_000051.4(ATM):c.6096-1G>T

Genes: ATM (ATM serine/threonine kinase; plus strand), C11orf65 (chromosome 11 open reading frame 65; minus strand). Cytogenetic location: 11q22.3.
Variant type: single nucleotide variant.
Coding change: c.6096-1G>T on transcript NM_000051.4 (MANE Select); the canonical splice acceptor site of the intron before coding-DNA position 6096, G replaced by T.
Molecular consequence: splice acceptor variant. On other transcripts: intron variant (2).
Genome position (GRCh38, 1-based): chr11:108,316,010, G>T. VCF-style: chr11-108316010-G-T. GRCh37 (hg19) VCF-style: chr11-108186737-G-T.
Other names: c.6096-1G>T (NM_001351834.2); c.641-6939C>A (NM_001330368.2); c.*39-6939C>A (NM_001351110.2).
Identifiers: ClinVar variation 3661434 (VCV003661434.2).